The following is an entry in ClinVar:

NM_015272.5(RPGRIP1L):c.149del (p.Leu50fs)

Gene: RPGRIP1L (RPGRIP1 like; minus strand). Cytogenetic location: 16q12.2.
Variant type: Deletion.
Coding change: c.149del on transcript NM_015272.5 (MANE Select); coding-DNA position 149, one base deleted (T; older notation c.149delT).
Protein change: p.Leu50fs; shifts the reading frame from leucine 50.
Molecular consequence: frameshift variant.
Genome position (GRCh38, 1-based): chr16:53,696,232, A deleted on the plus strand (T on the coding strand, the reverse complement: RPGRIP1L is on the minus strand). VCF-style (leftmost placement, unchanged base first): chr16-53696231-CA-C. GRCh37 (hg19) VCF-style: chr16-53730143-CA-C.
Other names: c.149delT (NM_015272.4); c.149del, p.Leu50fs (NM_001127897.4, NM_001308334.3, NM_001328422.2 and 2 more transcripts); short protein forms L50fs.
Identifiers: ClinVar variation 1073461 (VCV001073461.9), dbSNP rs1200063571, ClinGen allele CA622269034.

ClinVar aggregate classification (germline): Pathogenic/Likely pathogenic. Review status: criteria provided, multiple submitters, no conflicts (2 of 4 stars). 3 submissions from 3 submitters: Pathogenic (2); Likely pathogenic (1). Last evaluated 2025-12-10.

Conditions:
Joubert syndrome. Also called: JOUBERT-BOLTSHAUSER SYNDROME; Familial aplasia of the vermis. Identifiers: Orphanet 475, MedGen C5979921, MONDO:0018772.
Meckel-Gruber syndrome. Also called: DYSENCEPHALIA SPLANCHNOCYSTICA; GRUBER SYNDROME; Dysencephalia splachnocystica. Identifiers: Orphanet 564, MedGen C0265215, MONDO:0018921.
RPGRIP1L-related disorder. Also called: RPGRIP1L-related condition; RPGRIP1L-related disorders. Identifiers: MedGen CN239416.

Allele frequency attached by ClinVar (database versions not stated): gnomAD exomes below 0.00001; gnomAD 0.00001; TOPMed 0.00001.

Submissions (3):

Labcorp Genetics (formerly Invitae), Labcorp
Classification: Pathogenic for Joubert syndrome; Meckel-Gruber syndrome. Last evaluated: 2025-12-10. Review status: criteria provided, single submitter. Criteria: Invitae Variant Classification Sherloc (09022015). Collection method: clinical testing. Allele origin: germline.
Comment: This sequence change creates a premature translational stop signal (p.Leu50Argfs*33) in the RPGRIP1L gene. It is expected to result in an absent or disrupted protein product. Loss-of-function variants in RPGRIP1L are known to be pathogenic (PMID: 17558409). This variant is present in population databases (no rsID available, gnomAD 0.01%). This variant has not been reported in the literature in individuals affected with RPGRIP1L-related conditions. ClinVar contains an entry for this variant (Variation ID: 1073461). For these reasons, this variant has been classified as Pathogenic.

Natera, Inc.
Classification: Pathogenic for Joubert syndrome. Last evaluated: 2025-11-20. Review status: criteria provided, single submitter. Criteria: Natera Variant Classification Schema (03/2026). Collection method: clinical testing. Allele origin: germline.
Comment: The c.149delT variant in RPGRIP1L is a frameshift variant predicted to shift the reading frame beginning at codon 50 and leads to a stop codon 33 codons downstream. This variant is expected to result in nonsense mediated decay, truncation, or a dysfunctional protein product. This variant is rare in the general population with a frequency below the threshold expected for the associated phenotype(s). This variant has been observed in one or more individuals affected with the associated recessive disease, as either homozygous or compound heterozygous with a second variant (PMID: 37635794). Given the available evidence, this variant is classified as Pathogenic.

Blueprint Genetics
Classification: Likely pathogenic for RPGRIP1L-related disorders. Last evaluated: 2020-11-18. Review status: criteria provided, single submitter. Criteria: ACMG Guidelines, 2015. Collection method: clinical testing. Allele origin: germline. Affected: yes. Observed: 1 variant allele.

Literature cited by the submitters: PubMed 17558409 (cited by Labcorp Genetics (formerly Invitae), Labcorp); PubMed 37635794 (cited by Natera, Inc.).